The following is an entry in ClinVar:

ClinVar aggregate classification (germline): Likely benign (1 of 4 stars; one submission).

Allele frequency attached by ClinVar (database versions not stated): gnomAD exomes below 0.00001.
gnomAD v4.1: 5 of 1,613,796 alleles (0.00031%); highest among the groups gnomAD compares: Middle Eastern, 0.033%; no homozygotes.

Submission:

Laboratory for Molecular Medicine, Mass General Brigham Personalized Medicine
Classification: Likely benign. Last evaluated: 2013-09-05. Review status: criteria provided, single submitter. Criteria: LMM Criteria. Collection method: clinical testing. Allele origin: germline. Observed: 1 variant allele.
Comment: Arg3405Gln in Exon 49 of GPR98: This variant is not expected to have clinical si gnificance because the arginine (Arg) residue at position 3405 is not conserved across species with tree shrew and microbat having a glutamine (Gln) at this pos ition.

NM_032119.4(ADGRV1):c.10214G>A (p.Arg3405Gln)

Gene: ADGRV1 (adhesion G protein-coupled receptor V1; plus strand). Cytogenetic location: 5q14.3.
Variant type: single nucleotide variant.
Coding change: c.10214G>A on transcript NM_032119.4 (MANE Select); coding-DNA position 10214, G replaced by A.
Protein change: p.Arg3405Gln; replaces arginine 3405 with glutamine.
Molecular consequence: missense variant. On other transcripts: non-coding transcript variant (1).
Genome position (GRCh38, 1-based): chr5:90,728,721, G>A. VCF-style: chr5-90728721-G-A. GRCh37 (hg19) VCF-style: chr5-90024538-G-A.
Other names: short protein forms R3405Q.
Identifiers: ClinVar variation 179235 (VCV000179235.4), dbSNP rs727504728, ClinGen allele CA184023.